The following is an entry in ClinVar:

ClinVar aggregate classification (germline): Likely benign (1 of 4 stars; one submission).

gnomAD v4.1: 41 of 1,613,890 alleles (0.0025%); highest among the groups gnomAD compares: South Asian, 0.043%; 1 homozygote.

Submission:

CeGaT Center for Human Genetics Tuebingen
Classification: Likely benign. Last evaluated: 2024-11-01. Review status: criteria provided, single submitter. Criteria: CeGaT Center For Human Genetics Tuebingen Variant Classification Criteria Version 2. Collection method: clinical testing. Allele origin: germline. Affected: yes. Observed: 1 variant allele.
Comment: NIPBL: BS2

NM_133433.4(NIPBL):c.2902A>G (p.Asn968Asp)

Gene: NIPBL (NIPBL cohesin loading factor; plus strand). Cytogenetic location: 5p13.2.
Variant type: single nucleotide variant.
Coding change: c.2902A>G on transcript NM_133433.4 (MANE Select); coding-DNA position 2902, A replaced by G.
Protein change: p.Asn968Asp; replaces asparagine 968 with aspartic acid.
Molecular consequence: missense variant.
Genome position (GRCh38, 1-based): chr5:36,986,082, A>G. VCF-style: chr5-36986082-A-G. GRCh37 (hg19) VCF-style: chr5-36986184-A-G.
Other names: c.2902A>G, p.Asn968Asp (NM_015384.5); short protein forms N968D.
Identifiers: ClinVar variation 3388300 (VCV003388300.14).